The following is an entry in ClinVar:

NM_004360.5(CDH1):c.2310C>T (p.Ser770=)

Gene: CDH1 (cadherin 1; plus strand). Cytogenetic location: 16q22.1.
Variant type: single nucleotide variant.
Coding change: c.2310C>T on transcript NM_004360.5 (MANE Select); coding-DNA position 2310, C replaced by T.
Protein change: p.Ser770=; no amino-acid change (serine 770 retained).
Molecular consequence: synonymous variant.
Genome position (GRCh38, 1-based): chr16:68,829,668, C>T. VCF-style: chr16-68829668-C-T. GRCh37 (hg19) VCF-style: chr16-68863571-C-T.
Other names: c.2127C>T, p.Ser709= (NM_001317184.2); c.762C>T, p.Ser254= (NM_001317185.2); c.345C>T, p.Ser115= (NM_001317186.2); c.2310C>T (LRG_301t1).
Identifiers: ClinVar variation 506738 (VCV000506738.14), dbSNP rs754162869, ClinGen allele CA496157347.

ClinVar aggregate classification (germline): Benign/Likely benign. Review status: criteria provided, multiple submitters, no conflicts (2 of 4 stars). 4 submissions from 4 submitters: Benign (1); Likely benign (3). Last evaluated 2024-11-25.

Conditions:
Hereditary cancer-predisposing syndrome. Also called: Hereditary Cancer Syndrome; Tumor predisposition; Neoplastic Syndromes, Hereditary; Hereditary neoplastic syndrome. Identifiers: Orphanet 140162, MedGen C0027672, MeSH D009386, MONDO:0015356.
Hereditary diffuse gastric adenocarcinoma (HDGC). Also called: DIFFUSE GASTRIC AND LOBULAR BREAST CANCER SYNDROME. Identifiers: Orphanet 26106, MedGen C1708349, MONDO:0007648, OMIM 137215.

Allele frequency attached by ClinVar (database versions not stated): gnomAD exomes below 0.00001.
gnomAD v4.1: 2 of 1,614,178 alleles (0.00012%); highest among the groups gnomAD compares: Non-Finnish European, 0.00017%; no homozygotes.

Submissions (4):

Labcorp Genetics (formerly Invitae), Labcorp
Classification: Likely benign for Hereditary diffuse gastric adenocarcinoma. Last evaluated: 2024-11-25. Review status: criteria provided, single submitter. Criteria: Invitae Variant Classification Sherloc (09022015). Collection method: clinical testing. Allele origin: germline.

Myriad Genetics, Inc.
Classification: Benign for Hereditary diffuse gastric adenocarcinoma. Last evaluated: 2024-09-23. Review status: criteria provided, single submitter. Criteria: Myriad Autosomal Dominant, Autosomal Recessive and X-Linked Classification Criteria (2023). Collection method: clinical testing. Allele origin: unknown.
Comment: This variant is considered benign. This variant is a silent/synonymous amino acid change and it is not expected to impact splicing.

Ambry Genetics
Classification: Likely benign for Hereditary cancer-predisposing syndrome. Last evaluated: 2019-07-04. Review status: criteria provided, single submitter. Criteria: Ambry Variant Classification Scheme 2023. Collection method: clinical testing. Allele origin: germline.

GeneDx
Classification: Likely benign. Last evaluated: 2017-01-30. Review status: criteria provided, single submitter. Criteria: GeneDx Variant Classification (06012015). Collection method: clinical testing. Allele origin: germline. Affected: yes.
Comment: This variant is considered likely benign or benign based on one or more of the following criteria: it is a conservative change, it occurs at a poorly conserved position in the protein, it is predicted to be benign by multiple in silico algorithms, and/or has population frequency not consistent with disease.